The following is an entry in ClinVar:

NM_001365276.2(TNXB):c.8519A>G (p.Glu2840Gly)

Gene: TNXB (tenascin XB; minus strand). Cytogenetic location: 6p21.33.
Variant type: single nucleotide variant.
Coding change: c.8519A>G on transcript NM_001365276.2 (MANE Select); coding-DNA position 8519, A replaced by G.
Protein change: p.Glu2840Gly; replaces glutamic acid 2840 with glycine.
Molecular consequence: missense variant.
Genome position (GRCh38, 1-based): chr6:32,053,660, T>C on the plus strand (A>G on the coding strand, the complement: TNXB is on the minus strand). VCF-style: chr6-32053660-T-C. GRCh37 (hg19) VCF-style: chr6-32021437-T-C.
Other names: c.9260A>G, p.Glu3087Gly (NM_001428335.1); c.8513A>G, p.Glu2838Gly (NM_019105.8); short protein forms E3087G, E2838G, E2840G.
Identifiers: ClinVar variation 3809360 (VCV003809360.1).

ClinVar aggregate classification (germline): Uncertain significance (1 of 4 stars; one submission).

Conditions:
Cardiovascular phenotype. Identifiers: MedGen CN230736.

Submission:

Ambry Genetics
Classification: Uncertain significance for Cardiovascular phenotype. Last evaluated: 2025-02-13. Review status: criteria provided, single submitter. Criteria: Ambry Variant Classification Scheme 2023. Collection method: clinical testing. Allele origin: germline.
Comment: The p.E2838G variant (also known as c.8513A>G), located in coding exon 24 of the TNXB gene, results from an A to G substitution at nucleotide position 8513. The glutamic acid at codon 2838 is replaced by glycine, an amino acid with similar properties. This amino acid position is conserved. In addition, this alteration is predicted to be tolerated by in silico analysis. Based on the available evidence, the clinical significance of this variant remains unclear.